The following is an entry in ClinVar:

ClinVar aggregate classification (germline): Uncertain significance. Review status: criteria provided, multiple submitters, no conflicts (2 of 4 stars). 4 submissions from 4 submitters: Uncertain significance (4). Last evaluated 2025-06-06.

Conditions:
Emery-Dreifuss muscular dystrophy 4, autosomal dominant (EDMD4). Also called: EMERY-DREIFUSS MUSCULAR DYSTROPHY 4 WITH VARIABLE FEATURES. Identifiers: Orphanet 261, MedGen C2751807, MONDO:0013071, OMIM 612998.
Autosomal recessive ataxia, Beauce type. Also called: ATAXIA, RECESSIVE, OF BEAUCE; SYNE1-Related Autosomal Recessive Cerebellar Ataxia; SYNE1 Deficiency; Spinocerebellar ataxia, autosomal recessive 8. Identifiers: Orphanet 88644, MedGen C1853116, MONDO:0012549, OMIM 610743.
SYNE1-related disorder. Also called: SYNE1-related disease; SYNE1-related condition; SYNE1-related disorders.

Allele frequency attached by ClinVar (database versions not stated): gnomAD exomes 0.00001 and 0.00003; ExAC 0.00004; gnomAD 0.00013 and 0.00014; TOPMed 0.00014; ESP Exome Variant Server 0.00015.
gnomAD v4.1: 43 of 1,613,718 alleles (0.0027%); highest among the groups gnomAD compares: African/African-American, 0.048%; no homozygotes.

Submissions (4):

GeneDx
Classification: Uncertain significance. Last evaluated: 2025-06-06. Review status: criteria provided, single submitter. Criteria: GeneDx Variant Classification Process June 2021. Collection method: clinical testing. Allele origin: germline. Affected: yes.
Comment: In silico analysis suggests that this missense variant does not alter protein structure/function; Has not been previously published as pathogenic or benign to our knowledge

PreventionGenetics, part of Exact Sciences
Classification: Uncertain significance for SYNE1-related condition. Last evaluated: 2025-05-27. Review status: criteria provided, single submitter. Criteria: ACMG Guidelines, 2015. Collection method: clinical testing. Allele origin: germline.
Comment: The SYNE1 c.13816G>A variant is predicted to result in the amino acid substitution p.Ala4606Thr. To our knowledge, this variant has not been reported in the literature. This variant is reported in 0.048% of alleles in individuals of African descent in gnomAD. At this time, the clinical significance of this variant is uncertain due to the absence of conclusive functional and genetic evidence.

Labcorp Genetics (formerly Invitae), Labcorp
Classification: Uncertain significance for Emery-Dreifuss muscular dystrophy 4, autosomal dominant; Autosomal recessive ataxia, Beauce type. Last evaluated: 2024-11-12. Review status: criteria provided, single submitter. Criteria: Invitae Variant Classification Sherloc (09022015). Collection method: clinical testing. Allele origin: germline.
Comment: This sequence change replaces alanine, which is neutral and non-polar, with threonine, which is neutral and polar, at codon 4606 of the SYNE1 protein (p.Ala4606Thr). This variant is present in population databases (rs374301933, gnomAD 0.05%). This variant has not been reported in the literature in individuals affected with SYNE1-related conditions. ClinVar contains an entry for this variant (Variation ID: 854473). An algorithm developed to predict the effect of missense changes on protein structure and function outputs the following: PolyPhen-2: "Benign". The threonine amino acid residue is found in multiple mammalian species, which suggests that this missense change does not adversely affect protein function. In summary, the available evidence is currently insufficient to determine the role of this variant in disease. Therefore, it has been classified as a Variant of Uncertain Significance.

Athena Diagnostics
Classification: Uncertain significance. Last evaluated: 2021-08-20. Review status: criteria provided, single submitter. Criteria: Athena Diagnostics Criteria. Collection method: clinical testing. Allele origin: unknown.

NM_182961.4(SYNE1):c.14029G>A (p.Ala4677Thr)

Gene: SYNE1 (spectrin repeat containing nuclear envelope protein 1; minus strand). Cytogenetic location: 6q25.2.
Variant type: single nucleotide variant.
Coding change: c.14029G>A on transcript NM_182961.4 (MANE Select); coding-DNA position 14029, G replaced by A.
Protein change: p.Ala4677Thr; replaces alanine 4677 with threonine.
Molecular consequence: missense variant.
Genome position (GRCh38, 1-based): chr6:152,330,656, C>T on the plus strand (G>A on the coding strand, the complement: SYNE1 is on the minus strand). VCF-style: chr6-152330656-C-T. GRCh37 (hg19) VCF-style: chr6-152651791-C-T.
Other names: c.13816G>A, p.Ala4606Thr (NM_033071.5); short protein forms A4677T, A4606T.
Identifiers: ClinVar variation 854473 (VCV000854473.10), dbSNP rs374301933, ClinGen allele CA4056086.